The following is an entry in ClinVar:

ClinVar aggregate classification (germline): Benign/Likely benign. Review status: criteria provided, multiple submitters, no conflicts (2 of 4 stars). 3 submissions from 3 submitters: Benign (1); Likely benign (1). 1 of the submissions does not count toward it. Last evaluated 2025-12-16.

Conditions:
OTOGL-related disorder. Also called: OTOGL-related condition.

Allele frequency attached by ClinVar (database versions not stated): TOPMed 0.00001; gnomAD 0.00007; 1000 Genomes Project 30x 0.00016; 1000 Genomes Project 0.00020; gnomAD exomes 0.00021 and 0.00039; ExAC 0.00062.
gnomAD v4.1: 307 of 1,599,002 alleles (0.019%); highest among the groups gnomAD compares: South Asian, 0.32%; no homozygotes.

Submissions (3):

Labcorp Genetics (formerly Invitae), Labcorp
Classification: Benign. Last evaluated: 2025-12-16. Review status: criteria provided, single submitter. Criteria: Invitae Variant Classification Sherloc (09022015). Collection method: clinical testing. Allele origin: germline.

GeneDx
Classification: Likely benign. Last evaluated: 2021-01-19. Review status: criteria provided, single submitter. Criteria: GeneDx Variant Classification Process June 2021. Collection method: clinical testing. Allele origin: germline. Affected: yes.

PreventionGenetics, part of Exact Sciences
Classification: Likely benign for OTOGL-related condition. Last evaluated: 2019-04-03. Review status: no assertion criteria provided. Collection method: clinical testing. Allele origin: germline. Not counted in ClinVar's aggregate classification.
Comment: This variant is classified as likely benign based on ACMG/AMP sequence variant interpretation guidelines (Richards et al. 2015 PMID: 25741868, with internal and published modifications).

NM_001378609.3(OTOGL):c.6020-7A>G

Gene: OTOGL (otogelin like; plus strand). Cytogenetic location: 12q21.31.
Variant type: single nucleotide variant.
Coding change: c.6020-7A>G on transcript NM_001378609.3 (MANE Select); 7 bases into the intron before coding-DNA position 6020, A replaced by G.
Molecular consequence: intron variant.
Genome position (GRCh38, 1-based): chr12:80,358,241, A>G. VCF-style: chr12-80358241-A-G. GRCh37 (hg19) VCF-style: chr12-80752021-A-G.
Other names: c.5885-7A>G (NM_001368062.3); c.6020-7A>G (NM_001378610.3, NM_173591.7); c.5993-7A>G (NM_173591.3).
Identifiers: ClinVar variation 1190426 (VCV001190426.9), dbSNP rs568908160, ClinGen allele CA6701896.